The following is an entry in ClinVar:

ClinVar aggregate classification (germline): Uncertain significance (1 of 4 stars; one submission).

Conditions:
ABCC12-related condition.

Submission:

PreventionGenetics, part of Exact Sciences
Classification: Uncertain significance for ABCC12-related condition. Last evaluated: 2026-03-20. Review status: criteria provided, single submitter. Criteria: ACMG Guidelines, 2015. Collection method: clinical testing. Allele origin: germline.
Comment: The ABCC12 c.1888_1889delCT variant is predicted to result in a frameshift and premature protein termination (p.Leu630Valfs*13). To our knowledge, this variant has not been reported in the literature. This variant is reported in 0.098% of alleles in individuals of European (Non-Finnish) descent in gnomAD. Although we suspect that this variant may be benign, at this time, the clinical significance of this variant is uncertain due to the absence of conclusive functional and genetic evidence.

NM_001393797.1(ABCC12):c.1888_1889del (p.Leu630fs)

Gene: ABCC12 (ATP binding cassette subfamily C member 12; minus strand). Cytogenetic location: 16q12.1.
Variant type: Deletion.
Coding change: c.1888_1889del on transcript NM_001393797.1 (MANE Select); coding-DNA positions 1888 to 1889, 2 bases deleted (CT; older notation c.1888_1889delCT).
Protein change: p.Leu630fs; shifts the reading frame from leucine 630.
Molecular consequence: frameshift variant. On other transcripts: non-coding transcript variant (6).
Genome position (GRCh38, 1-based): chr16:48,115,515-48,115,516, AG deleted on the plus strand (CT on the coding strand, the reverse complement: ABCC12 is on the minus strand). VCF-style (leftmost placement, unchanged base first): chr16-48115514-CAG-C. GRCh37 (hg19) VCF-style: chr16-48149425-CAG-C.
Other names: c.1888_1889del, p.Leu630fs (NM_033226.3); short protein forms L630fs.
Identifiers: ClinVar variation 4977544 (VCV004977544.1).
Genomic context (GRCh38, chr16:48,115,514, plus strand): 5'-GAGCGTCTTCTTAATGCACTCCTCAAAGACGTGCTTCCCCACGTGGGCGTCCACGGCCGA[CAG>C]GGGGTCGTCCAGCAGGTAGAGCTGACGGTCGGAGTAGACAGCGCGGGCCAGGCTAATCCT-3'